The following is an entry in ClinVar:

NM_000063.6(C2):c.1835G>A (p.Ser612Asn)

Gene: C2 (complement C2; plus strand). Cytogenetic location: 6p21.33.
Variant type: single nucleotide variant.
Coding change: c.1835G>A on transcript NM_000063.6 (MANE Select); coding-DNA position 1835, G replaced by A.
Protein change: p.Ser612Asn; replaces serine 612 with asparagine.
Molecular consequence: missense variant.
Genome position (GRCh38, 1-based): chr6:31,944,159, G>A. VCF-style: chr6-31944159-G-A. GRCh37 (hg19) VCF-style: chr6-31911936-G-A.
Other names: c.1439G>A, p.Ser480Asn (NM_001145903.3); c.1193G>A, p.Ser398Asn (NM_001178063.3); c.1097G>A, p.Ser366Asn (NM_001282457.2); c.1748G>A, p.Ser583Asn (NM_001282458.2); short protein forms S612N, S583N, S398N, S366N, S480N.
Identifiers: ClinVar variation 356254 (VCV000356254.14), dbSNP rs573509224, ClinGen allele CA3727809.

ClinVar aggregate classification (germline): Likely benign. Review status: criteria provided, multiple submitters, no conflicts (2 of 4 stars). 2 submissions from 2 submitters: Likely benign (2). Last evaluated 2024-10-30.

Conditions:
Age related macular degeneration 14. Also called: MACULAR DEGENERATION, AGE-RELATED, 14, REDUCED RISK OF. Identifiers: MedGen C3809653, MONDO:0014207, OMIM 615489.

Allele frequency attached by ClinVar (database versions not stated): gnomAD 0.00001 and 0.00009; TOPMed 0.00002; gnomAD exomes 0.00017 and 0.00034; ExAC 0.00040; 1000 Genomes Project 0.00060; 1000 Genomes Project 30x 0.00062.
gnomAD v4.1: 253 of 1,612,764 alleles (0.016%); highest among the groups gnomAD compares: South Asian, 0.27%; 3 homozygotes.

Submissions (2):

Labcorp Genetics (formerly Invitae), Labcorp
Classification: Likely benign. Last evaluated: 2024-10-30. Review status: criteria provided, single submitter. Criteria: Invitae Variant Classification Sherloc (09022015). Collection method: clinical testing. Allele origin: germline.

Illumina Laboratory Services, Illumina
Classification: Likely benign for Age related macular degeneration 14. Last evaluated: 2018-01-12. Review status: criteria provided, single submitter. Criteria: ICSL Variant Classification Criteria 13 December 2019. Collection method: clinical testing. Allele origin: germline.
Comment: This variant was observed in the ICSL laboratory as part of a predisposition screen in an ostensibly healthy population. It had not been previously curated by ICSL or reported in the Human Gene Mutation Database (HGMD: prior to June 1st, 2018), and was therefore a candidate for classification through an automated scoring system. Utilizing variant allele frequency, disease prevalence and penetrance estimates, and inheritance mode, an automated score was calculated to assess if this variant is too frequent to cause the disease. Based on the score and internal cut-off values, a variant classified as likely benign is not then subjected to further curation. The score for this variant resulted in a classification of likely benign for this disease.